The following is an entry in ClinVar:

ClinVar aggregate classification (germline): Uncertain significance (1 of 4 stars; one submission).

Conditions:
Inborn genetic diseases. Identifiers: MedGen C0950123, MeSH D030342.

Submission:

Ambry Genetics
Classification: Uncertain significance for Inborn genetic diseases. Last evaluated: 2026-05-15. Review status: criteria provided, single submitter. Criteria: Ambry Variant Classification Scheme 2023. Collection method: clinical testing. Allele origin: germline.
Comment: The p.R135K variant (also known as c.404G>A), located in coding exon 3 of the SBDS gene, results from a G to A substitution at nucleotide position 404. The arginine at codon 135 is replaced by lysine, an amino acid with highly similar properties. This amino acid position is conserved. In addition, the in silico prediction for this alteration is inconclusive. Based on the available evidence, the clinical significance of this variant remains unclear.

NM_016038.4(SBDS):c.404G>A (p.Arg135Lys)

Gene: SBDS (SBDS ribosome maturation factor; minus strand). Cytogenetic location: 7q11.21.
Variant type: single nucleotide variant.
Coding change: c.404G>A on transcript NM_016038.4 (MANE Select); coding-DNA position 404, G replaced by A.
Protein change: p.Arg135Lys; replaces arginine 135 with lysine.
Molecular consequence: missense variant.
Genome position (GRCh38, 1-based): chr7:66,993,272, C>T on the plus strand (G>A on the coding strand, the complement: SBDS is on the minus strand). VCF-style: chr7-66993272-C-T. GRCh37 (hg19) VCF-style: chr7-66458259-C-T.
Other names: short protein forms R135K.
Identifiers: ClinVar variation 4864065 (VCV004864065.1).